The following is an entry in ClinVar:

ClinVar aggregate classification (germline): Uncertain significance (1 of 4 stars; one submission).

gnomAD v4.1: 13 of 1,608,584 alleles (0.00081%); highest among the groups gnomAD compares: East Asian, 0.0022%; no homozygotes.

Submission:

CeGaT Center for Human Genetics Tuebingen
Classification: Uncertain significance. Last evaluated: 2025-03-01. Review status: criteria provided, single submitter. Criteria: CeGaT Center For Human Genetics Tuebingen Variant Classification Criteria Version 2. Collection method: clinical testing. Allele origin: germline. Affected: yes. Observed: 1 variant allele.
Comment: FGFR3: PP3

NM_000142.5(FGFR3):c.2363T>C (p.Val788Ala)

Gene: FGFR3 (fibroblast growth factor receptor 3; plus strand). Cytogenetic location: 4p16.3.
Variant type: single nucleotide variant.
Coding change: c.2363T>C on transcript NM_000142.5 (MANE Select); coding-DNA position 2363, T replaced by C.
Protein change: p.Val788Ala; replaces valine 788 with alanine.
Molecular consequence: missense variant. On other transcripts: synonymous variant (1), non-coding transcript variant (1).
Genome position (GRCh38, 1-based): chr4:1,807,204, T>C. VCF-style: chr4-1807204-T-C. GRCh37 (hg19) VCF-style: chr4-1808931-T-C.
Other names: c.2369T>C, p.Val790Ala (NM_001163213.2); c.2366T>C, p.Val789Ala (NM_001354809.2); c.2295T>C, p.Arg765= (NM_001354810.2); c.2027T>C, p.Val676Ala (NM_022965.4); short protein forms V676A, V788A, V789A, V790A.
Identifiers: ClinVar variation 3778547 (VCV003778547.7).